The following is an entry in ClinVar:

NM_020207.7(ERCC6L2):c.1790T>G (p.Val597Gly)

Gene: ERCC6L2 (ERCC excision repair 6 like 2; plus strand). Cytogenetic location: 9q22.32.
Variant type: single nucleotide variant.
Coding change: c.1790T>G on transcript NM_020207.7 (MANE Select); coding-DNA position 1790, T replaced by G.
Protein change: p.Val597Gly; replaces valine 597 with glycine.
Molecular consequence: missense variant. On other transcripts: non-coding transcript variant (1).
Genome position (GRCh38, 1-based): chr9:95,941,492, T>G. VCF-style: chr9-95941492-T-G. GRCh37 (hg19) VCF-style: chr9-98703774-T-G.
Other names: c.1790T>G, p.Val597Gly (NM_001010895.4, NM_001375291.1, NM_001375292.1 and 2 more transcripts); short protein forms V597G.
Identifiers: ClinVar variation 3845880 (VCV003845880.1).

ClinVar aggregate classification (germline): Uncertain significance (1 of 4 stars; one submission).

Conditions:
Inborn genetic diseases. Identifiers: MedGen C0950123, MeSH D030342.

Submission:

Ambry Genetics
Classification: Uncertain significance for Inborn genetic diseases. Last evaluated: 2025-01-18. Review status: criteria provided, single submitter. Criteria: Ambry Variant Classification Scheme 2023. Collection method: clinical testing. Allele origin: germline.
Comment: The p.V597G variant (also known as c.1790T>G), located in coding exon 12 of the ERCC6L2 gene, results from a T to G substitution at nucleotide position 1790. The valine at codon 597 is replaced by glycine, an amino acid with dissimilar properties. This amino acid position is conserved. In addition, this alteration is predicted to be deleterious by in silico analysis. Based on the available evidence, the clinical significance of this variant remains unclear.